The following is an entry in ClinVar:

NM_000264.5(PTCH1):c.193A>C (p.Ile65Leu)

Gene: PTCH1 (patched 1; minus strand). Cytogenetic location: 9q22.32.
Variant type: single nucleotide variant.
Coding change: c.193A>C on transcript NM_000264.5 (MANE Select); coding-DNA position 193, A replaced by C.
Protein change: p.Ile65Leu; replaces isoleucine 65 with leucine.
Molecular consequence: missense variant. On other transcripts: non-coding transcript variant (1), intron variant (3).
Genome position (GRCh38, 1-based): chr9:95,508,169, T>G on the plus strand (A>C on the coding strand, the complement: PTCH1 is on the minus strand). VCF-style: chr9-95508169-T-G. GRCh37 (hg19) VCF-style: chr9-98270451-T-G.
Other names: c.193A>C, p.Ile65Leu (NM_001354918.2); c.199-1570A>C (NM_001083603.3); c.4-1570A>C (NM_001083602.3, NM_001354919.2); short protein forms I65L.
Identifiers: ClinVar variation 3427244 (VCV003427244.1).

ClinVar aggregate classification (germline): Uncertain significance (1 of 4 stars; one submission).

Conditions:
Hereditary cancer-predisposing syndrome. Also called: Neoplastic Syndromes, Hereditary; Tumor predisposition; Hereditary Cancer Syndrome; Hereditary neoplastic syndrome. Identifiers: Orphanet 140162, MedGen C0027672, MeSH D009386, MONDO:0015356.

Submission:

Ambry Genetics
Classification: Uncertain significance for Hereditary cancer-predisposing syndrome. Last evaluated: 2024-07-18. Review status: criteria provided, single submitter. Criteria: Ambry Variant Classification Scheme 2023. Collection method: clinical testing. Allele origin: germline.
Comment: The p.I65L variant (also known as c.193A>C), located in coding exon 1 of the PTCH1 gene, results from an A to C substitution at nucleotide position 193. The isoleucine at codon 65 is replaced by leucine, an amino acid with highly similar properties. This amino acid position is conserved. In addition, the in silico prediction for this alteration is inconclusive. Based on the available evidence, the clinical significance of this variant remains unclear.